The following is an entry in ClinVar:

ClinVar aggregate classification (germline): Uncertain significance. Review status: criteria provided, multiple submitters, no conflicts (2 of 4 stars). 3 submissions from 3 submitters: Uncertain significance (3). Last evaluated 2025-03-25.

Conditions:
Hereditary cancer. Identifiers: MedGen C1333600.
CHEK2-related cancer predisposition (TPDS4). Also called: TUMOR PREDISPOSITION SYNDROME 4; CANCER PREDISPOSITION SYNDROME, CHEK2-RELATED; CHEK2-related cancer susceptibility. Identifiers: Orphanet 524, MedGen C5882668, MONDO:0700271, OMIM 609265.
Familial cancer of breast. Also called: BREAST CANCER, FAMILIAL; Hereditary breast cancer; hereditary breast carcinoma. Identifiers: Orphanet 227535, MedGen C0346153, MONDO:0016419, OMIM 114480. Disease mechanism: loss of function.
Hereditary cancer-predisposing syndrome. Also called: Hereditary Cancer Syndrome; Hereditary neoplastic syndrome; Neoplastic Syndromes, Hereditary; Tumor predisposition. Identifiers: Orphanet 140162, MedGen C0027672, MeSH D009386, MONDO:0015356.

Allele frequency attached by ClinVar (database versions not stated): TOPMed below 0.00001; ESP Exome Variant Server 0.00008.

Submissions (3):

Ambry Genetics
Classification: Uncertain significance for Hereditary cancer-predisposing syndrome. Last evaluated: 2025-03-25. Review status: criteria provided, single submitter. Criteria: Ambry Variant Classification Scheme 2023. Collection method: clinical testing. Allele origin: germline.
Comment: The p.Q27E variant (also known as c.79C>G), located in coding exon 1 of the CHEK2 gene, results from a C to G substitution at nucleotide position 79. The glutamine at codon 27 is replaced by glutamic acid, an amino acid with highly similar properties. This amino acid position is highly conserved in available vertebrate species. In addition, the in silico prediction for this alteration is inconclusive. Based on the available evidence, the clinical significance of this variant remains unclear.

Labcorp Genetics (formerly Invitae), Labcorp
Classification: Uncertain significance for Familial cancer of breast. Last evaluated: 2024-09-16. Review status: criteria provided, single submitter. Criteria: Invitae Variant Classification Sherloc (09022015). Collection method: clinical testing. Allele origin: germline.
Comment: This sequence change replaces glutamine, which is neutral and polar, with glutamic acid, which is acidic and polar, at codon 27 of the CHEK2 protein (p.Gln27Glu). This variant is not present in population databases (gnomAD no frequency). This variant has not been reported in the literature in individuals affected with CHEK2-related conditions. ClinVar contains an entry for this variant (Variation ID: 441100). An algorithm developed to predict the effect of missense changes on protein structure and function (PolyPhen-2) suggests that this variant is likely to be disruptive. In summary, the available evidence is currently insufficient to determine the role of this variant in disease. Therefore, it has been classified as a Variant of Uncertain Significance.

GeneDx
Classification: Uncertain significance. Last evaluated: 2019-08-23. Review status: criteria provided, single submitter. Criteria: GeneDx Variant Classification Process June 2021. Collection method: clinical testing. Allele origin: germline. Affected: yes.
Comment: Not observed in large population cohorts (Lek 2016); In silico analysis, which includes protein predictors and evolutionary conservation, supports that this variant does not alter protein structure/function; Has not been previously published as pathogenic or benign to our knowledge

NM_007194.4(CHEK2):c.79C>G (p.Gln27Glu)

Gene: CHEK2 (checkpoint kinase 2; minus strand). Cytogenetic location: 22q12.1.
Variant type: single nucleotide variant.
Coding change: c.79C>G on transcript NM_007194.4 (MANE Select); coding-DNA position 79, C replaced by G.
Protein change: p.Gln27Glu; replaces glutamine 27 with glutamic acid.
Molecular consequence: missense variant.
Genome position (GRCh38, 1-based): chr22:28,734,643, G>C on the plus strand (C>G on the coding strand, the complement: CHEK2 is on the minus strand). VCF-style: chr22-28734643-G-C. GRCh37 (hg19) VCF-style: chr22-29130631-G-C.
Other names: c.79C>G, p.Gln27Glu (NM_001005735.3, NM_001349956.3, NM_145862.3); c.-699C>G (NM_001257387.3); short protein forms Q27E.
Identifiers: ClinVar variation 441100 (VCV000441100.13), dbSNP rs376736188, ClinGen allele CA322998866.